The following is an entry in ClinVar:

NM_138691.3(TMC1):c.1233G>A (p.Met411Ile)

Gene: TMC1 (transmembrane channel like 1; plus strand). Cytogenetic location: 9q21.13.
Variant type: single nucleotide variant.
Coding change: c.1233G>A on transcript NM_138691.3 (MANE Select); coding-DNA position 1233, G replaced by A.
Protein change: p.Met411Ile; replaces methionine 411 with isoleucine.
Molecular consequence: missense variant.
Genome position (GRCh38, 1-based): chr9:72,791,894, G>A. VCF-style: chr9-72791894-G-A. GRCh37 (hg19) VCF-style: chr9-75406810-G-A.
Other names: short protein forms M411I.
Identifiers: ClinVar variation 165434 (VCV000165434.9), dbSNP rs184603559, ClinGen allele CA178208.

ClinVar aggregate classification (germline): Conflicting classifications of pathogenicity. Review status: criteria provided, conflicting classifications (1 of 4 stars). 3 submissions from 3 submitters: Uncertain significance (2); Likely benign (1). Last evaluated 2023-12-11.

Allele frequency attached by ClinVar (database versions not stated): gnomAD 0.00001 and 0.00003; TOPMed 0.00001; gnomAD exomes 0.00002; ExAC 0.00003; 1000 Genomes Project 30x 0.00047; 1000 Genomes Project 0.00060.
gnomAD v4.1: 29 of 1,612,300 alleles (0.0018%); highest among the groups gnomAD compares: Middle Eastern, 0.04%; no homozygotes.

Submissions (3):

Labcorp Genetics (formerly Invitae), Labcorp
Classification: Uncertain significance. Last evaluated: 2023-12-11. Review status: criteria provided, single submitter. Criteria: Invitae Variant Classification Sherloc (09022015). Collection method: clinical testing. Allele origin: germline.
Comment: This sequence change replaces methionine, which is neutral and non-polar, with isoleucine, which is neutral and non-polar, at codon 411 of the TMC1 protein (p.Met411Ile). This variant is present in population databases (rs184603559, gnomAD 0.01%). This variant has not been reported in the literature in individuals affected with TMC1-related conditions. ClinVar contains an entry for this variant (Variation ID: 165434). Advanced modeling of protein sequence and biophysical properties (such as structural, functional, and spatial information, amino acid conservation, physicochemical variation, residue mobility, and thermodynamic stability) performed at Invitae indicates that this missense variant is not expected to disrupt TMC1 protein function with a negative predictive value of 95%. In summary, the available evidence is currently insufficient to determine the role of this variant in disease. Therefore, it has been classified as a Variant of Uncertain Significance.

GeneDx
Classification: Uncertain significance. Last evaluated: 2019-12-17. Review status: criteria provided, single submitter. Criteria: GeneDx Variant Classification Process June 2021. Collection method: clinical testing. Allele origin: germline. Affected: yes.
Comment: In silico analysis, which includes protein predictors and evolutionary conservation, supports that this variant does not alter protein structure/function; Has not been previously published as pathogenic or benign to our knowledge

Laboratory for Molecular Medicine, Mass General Brigham Personalized Medicine
Classification: Likely benign. Last evaluated: 2013-09-07. Review status: criteria provided, single submitter. Criteria: LMM Criteria. Collection method: clinical testing. Allele origin: germline. Observed: 1 variant allele.
Comment: Met411Ile in exon 16 of TMC1: This variant is not expected to have clinical sign ificance because it has been identified in 1.6% (3/192) of Luhya Kenyan chromoso mes by the 1000 Genomes Project (dbSNP rs184603559)